The following is an entry in ClinVar:

NM_000218.3(KCNQ1):c.1220C>T (p.Ser407Leu)

Gene: KCNQ1 (potassium voltage-gated channel subfamily Q member 1; plus strand). Cytogenetic location: 11p15.5.
Variant type: single nucleotide variant.
Coding change: c.1220C>T on transcript NM_000218.3 (MANE Select); coding-DNA position 1220, C replaced by T.
Protein change: p.Ser407Leu; replaces serine 407 with leucine.
Molecular consequence: missense variant.
Genome position (GRCh38, 1-based): chr11:2,587,661, C>T. VCF-style: chr11-2587661-C-T. GRCh37 (hg19) VCF-style: chr11-2608891-C-T.
Other names: c.1124C>T, p.Ser375Leu (NM_001406836.1); c.950C>T, p.Ser317Leu (NM_001406837.1); c.680C>T, p.Ser227Leu (NM_001406838.1); c.839C>T, p.Ser280Leu (NM_181798.2); short protein forms S317L, S375L, S407L, S227L, S280L.
Identifiers: ClinVar variation 2773473 (VCV002773473.2), dbSNP rs2493705725, ClinGen allele CA379134819.

ClinVar aggregate classification (germline): Uncertain significance (1 of 4 stars; one submission).

Conditions:
Cardiac arrhythmia. Also called: Arrhythmia; Cardiac rhythm disease. Identifiers: MedGen C0003811, MONDO:0007263, HP:0011675.

Submission:

Color Diagnostics, LLC DBA Color Health
Classification: Uncertain significance for Cardiac arrhythmia. Last evaluated: 2024-03-07. Review status: criteria provided, single submitter. Criteria: ACMG Guidelines, 2015. Collection method: clinical testing. Allele origin: germline.
Comment: This missense variant replaces serine with leucine at codon 407 of the KCNQ1 protein. Computational prediction is inconclusive regarding the impact of this variant on protein structure and function (internally defined REVEL score threshold 0.5 < inconclusive < 0.7, PMID: 27666373). To our knowledge, functional studies have not been reported for this variant. This variant has not been reported in individuals affected with cardiovascular disorders in the literature. This variant has not been identified in the general population by the Genome Aggregation Database (gnomAD). The available evidence is insufficient to determine the role of this variant in disease conclusively. Therefore, this variant is classified as a Variant of Uncertain Significance.